The following is an entry in ClinVar:

ClinVar aggregate classification (germline): Uncertain significance (1 of 4 stars; one submission).

Submission:

GeneDx
Classification: Uncertain significance. Last evaluated: 2024-11-05. Review status: criteria provided, single submitter. Criteria: GeneDx Variant Classification Process June 2021. Collection method: clinical testing. Allele origin: germline. Affected: yes.
Comment: Not observed at significant frequency in large population cohorts (gnomAD); In silico analysis supports that this missense variant has a deleterious effect on protein structure/function; Has not been previously published as pathogenic or benign to our knowledge

NM_001037333.3(CYFIP2):c.812T>G (p.Leu271Arg)

Gene: CYFIP2 (cytoplasmic FMR1 interacting protein 2; plus strand). Cytogenetic location: 5q33.3.
Variant type: single nucleotide variant.
Coding change: c.812T>G on transcript NM_001037333.3 (MANE Select); coding-DNA position 812, T replaced by G.
Protein change: p.Leu271Arg; replaces leucine 271 with arginine.
Molecular consequence: missense variant.
Genome position (GRCh38, 1-based): chr5:157,307,777, T>G. VCF-style: chr5-157307777-T-G. GRCh37 (hg19) VCF-style: chr5-156734785-T-G.
Other names: c.734T>G, p.Leu245Arg (NM_001291721.2); c.812T>G, p.Leu271Arg (NM_001291722.2, NM_014376.4); short protein forms L245R, L271R.
Identifiers: ClinVar variation 3897142 (VCV003897142.1).